The following is an entry in ClinVar:

NM_001080467.3(MYO5B):c.4852+3A>T

Genes: MYO5B (myosin VB; minus strand), SNHG22 (small nucleolar RNA host gene 22; plus strand). Cytogenetic location: 18q21.1.
Variant type: single nucleotide variant.
Coding change: c.4852+3A>T on transcript NM_001080467.3 (MANE Select); 3 bases into the intron after coding-DNA position 4852, A replaced by T.
Molecular consequence: intron variant.
Genome position (GRCh38, 1-based): chr18:49,839,141, T>A on the plus strand (A>T on the coding strand, the complement: MYO5B is on the minus strand). VCF-style: chr18-49839141-T-A. GRCh37 (hg19) VCF-style: chr18-47365511-T-A.
Identifiers: ClinVar variation 3255352 (VCV003255352.1).

ClinVar aggregate classification (germline): Likely pathogenic (1 of 4 stars; one submission).

Conditions:
Congenital microvillous atrophy (DIAR2). Also called: CONGENITAL FAMILIAL PROTRACTED DIARRHEA WITH ENTEROCYTE BRUSH-BORDER ABNORMALITIES; DAVIDSON DISEASE; MICROVILLUS ATROPHY, CONGENITAL; Microvillus inclusion disease; Diarrhea 2 with microvillus atrophy, with or without cholestasis. Identifiers: Orphanet 2290, MedGen C0341306, MONDO:0009635, OMIM 251850.

gnomAD v4.1: 8 of 1,613,108 alleles (0.0005%); highest among the groups gnomAD compares: Non-Finnish European, 0.00068%; no homozygotes.

Submission:

Aleixo Muise Laboratory, Hospital For Sick Children
Classification: Likely pathogenic for Congenital microvillous atrophy. Last evaluated: 2024-07-05. Review status: criteria provided, single submitter. Criteria: ACMG Guidelines, 2015. Collection method: research. Allele origin: inherited. Affected: yes. Observed: 1 variant allele.
Comment: PM2;PM3;PM5;PP3;PP4